The following is an entry in ClinVar:

ClinVar aggregate classification (germline): Uncertain significance (1 of 4 stars; one submission).

Allele frequency attached by ClinVar (database versions not stated): TOPMed 0.00002; gnomAD 0.00003 and 0.00004.
gnomAD v4.1: 14 of 1,607,894 alleles (0.00087%); highest among the groups gnomAD compares: African/African-American, 0.008%; no homozygotes.

Submission:

Labcorp Genetics (formerly Invitae), Labcorp
Classification: Uncertain significance. Last evaluated: 2021-08-30. Review status: criteria provided, single submitter. Criteria: Invitae Variant Classification Sherloc (09022015). Collection method: clinical testing. Allele origin: germline.
Comment: This sequence change replaces aspartic acid with asparagine at codon 1274 of the MCM3AP protein (p.Asp1274Asn). The aspartic acid residue is moderately conserved and there is a small physicochemical difference between aspartic acid and asparagine. This variant is present in population databases (rs755235768, ExAC 0.02%). This variant has not been reported in the literature in individuals affected with MCM3AP-related conditions. Algorithms developed to predict the effect of missense changes on protein structure and function output the following: SIFT: "Tolerated"; PolyPhen-2: "Benign"; Align-GVGD: "Class C0". The asparagine amino acid residue is found in multiple mammalian species, which suggests that this missense change does not adversely affect protein function. In summary, the available evidence is currently insufficient to determine the role of this variant in disease. Therefore, it has been classified as a Variant of Uncertain Significance.

NM_003906.5(MCM3AP):c.3820G>A (p.Asp1274Asn)

Gene: MCM3AP (minichromosome maintenance complex component 3 associated protein; minus strand). Cytogenetic location: 21q22.3.
Variant type: single nucleotide variant.
Coding change: c.3820G>A on transcript NM_003906.5 (MANE Select); coding-DNA position 3820, G replaced by A.
Protein change: p.Asp1274Asn; replaces aspartic acid 1274 with asparagine.
Molecular consequence: missense variant.
Genome position (GRCh38, 1-based): chr21:46,256,901, C>T on the plus strand (G>A on the coding strand, the complement: MCM3AP is on the minus strand). VCF-style: chr21-46256901-C-T. GRCh37 (hg19) VCF-style: chr21-47676815-C-T.
Other names: short protein forms D1274N.
Identifiers: ClinVar variation 1405249 (VCV001405249.5), dbSNP rs755235768, ClinGen allele CA10076358.